The following is an entry in ClinVar:

ClinVar aggregate classification (germline): Uncertain significance (1 of 4 stars; one submission).

Conditions:
Multiple gastrointestinal atresias. Also called: Multiple intestinal atresia; FAMILIAL INTESTINAL POLYATRESIA SYNDROME. Identifiers: Orphanet 2300, MedGen C0220744, MONDO:0009465.

Allele frequency attached by ClinVar (database versions not stated): gnomAD exomes below 0.00001.
gnomAD v4.1: 1 of 1,614,182 alleles (0.000062%); highest among the groups gnomAD compares: Non-Finnish European, 0.000085%; no homozygotes.

Submission:

Labcorp Genetics (formerly Invitae), Labcorp
Classification: Uncertain significance for Multiple gastrointestinal atresias. Last evaluated: 2022-07-30. Review status: criteria provided, single submitter. Criteria: Invitae Variant Classification Sherloc (09022015). Collection method: clinical testing. Allele origin: germline.
Comment: In summary, the available evidence is currently insufficient to determine the role of this variant in disease. Therefore, it has been classified as a Variant of Uncertain Significance. Algorithms developed to predict the effect of missense changes on protein structure and function are either unavailable or do not agree on the potential impact of this missense change (SIFT: "Deleterious"; PolyPhen-2: "Benign"; Align-GVGD: "Class C0"). ClinVar contains an entry for this variant (Variation ID: 1005218). This variant has not been reported in the literature in individuals affected with TTC7A-related conditions. This variant is not present in population databases (gnomAD no frequency). This sequence change replaces leucine, which is neutral and non-polar, with proline, which is neutral and non-polar, at codon 761 of the TTC7A protein (p.Leu761Pro).

NM_020458.4(TTC7A):c.2282T>C (p.Leu761Pro)

Gene: TTC7A (tetratricopeptide repeat domain 7A; plus strand). Cytogenetic location: 2p21.
Variant type: single nucleotide variant.
Coding change: c.2282T>C on transcript NM_020458.4 (MANE Select); coding-DNA position 2282, T replaced by C.
Protein change: p.Leu761Pro; replaces leucine 761 with proline.
Molecular consequence: missense variant.
Genome position (GRCh38, 1-based): chr2:47,060,898, T>C. VCF-style: chr2-47060898-T-C. GRCh37 (hg19) VCF-style: chr2-47288037-T-C.
Other names: c.2354T>C, p.Leu785Pro (NM_001288951.2); c.2180T>C, p.Leu727Pro (NM_001288953.2); c.1220T>C, p.Leu407Pro (NM_001288955.2); short protein forms L407P, L727P, L761P, L785P.
Identifiers: ClinVar variation 1005218 (VCV001005218.8), dbSNP rs1683726116, ClinGen allele CA346714944.